The following is an entry in ClinVar:

NM_001048174.2(MUTYH):c.1145_1148dup (p.Ser384fs)

Gene: MUTYH (mutY DNA glycosylase; minus strand). Cytogenetic location: 1p34.1.
Variant type: Duplication.
Coding change: c.1145_1148dup on transcript NM_001048174.2 (MANE Select); coding-DNA positions 1145 to 1148, 4 bases duplicated (AGCC; older notation c.1145_1148dupAGCC).
Protein change: p.Ser384fs; shifts the reading frame from serine 384.
Molecular consequence: frameshift variant. On other transcripts: non-coding transcript variant (7).
Genome position (GRCh38, 1-based): chr1:45,331,511-45,331,514, GGCT duplicated on the plus strand (AGCC on the coding strand, the reverse complement: MUTYH is on the minus strand). VCF-style (leftmost placement, unchanged base first): chr1-45331510-G-GGGCT. GRCh37 (hg19) VCF-style: chr1-45797182-G-GGGCT.
Other names: c.1145_1148dup, p.Ser384fs (NM_001048171.2, NM_001048173.2, NM_001293195.2 and 6 more transcripts); c.1148_1151dup, p.Ser385fs (NM_001048172.2, NM_001407071.1, NM_001407078.1 and 1 more transcripts); c.1229_1232dup, p.Ser412fs (NM_001128425.2); c.1190_1193dup, p.Ser399fs (NM_001293190.2); c.1178_1181dup, p.Ser395fs (NM_001293191.2, NM_001407069.1, NM_001407077.1); c.869_872dup, p.Ser292fs (NM_001293192.2, NM_001293196.2, NM_001407091.1); c.800_803dup, p.Ser269fs (NM_001350650.2, NM_001350651.2, NM_001407082.1); c.1061_1064dup, p.Ser356fs (NM_001407075.1); and 5 more; short protein forms S395fs, S398fs, S409fs, S269fs, S412fs, S292fs, S370fs, S399fs.
Identifiers: ClinVar variation 3656090 (VCV003656090.2).
Genomic context (GRCh38, chr1:45,331,510, plus strand): 5'-GAGGGGCCCAGCCCAACGCTGTAGTTCCTGCAGCAGGGCCTTGCGCTGAAGCTGCTCTGA[G>GGGCT]GGCTCCCAGGTCACGGACGGGAACTCCCACAGTCCTGCCAGCAGACCTGAGAGGGAGGGC-3'

ClinVar aggregate classification (germline): Likely pathogenic (1 of 4 stars; one submission).

Conditions:
Familial adenomatous polyposis 2. Also called: FAP type 2; COLORECTAL ADENOMATOUS POLYPOSIS, AUTOSOMAL RECESSIVE; ADENOMAS, MULTIPLE COLORECTAL, AUTOSOMAL RECESSIVE; MYH-associated polyposis; Adenomas, multiple colorectal; MUTYH-associated polyposis. Identifiers: Orphanet 220460, Orphanet 247798, MedGen C3272841, MONDO:0012041, OMIM 608456.

Submission:

Labcorp Genetics (formerly Invitae), Labcorp
Classification: Likely pathogenic for Familial adenomatous polyposis 2. Last evaluated: 2024-06-10. Review status: criteria provided, single submitter. Criteria: Invitae Variant Classification Sherloc (09022015). Collection method: clinical testing. Allele origin: germline.
Comment: This sequence change creates a premature translational stop signal (p.Ser412Alafs*121) in the MUTYH gene. While this is not anticipated to result in nonsense mediated decay, it is expected to disrupt the last 138 amino acid(s) of the MUTYH protein. This variant is not present in population databases (gnomAD no frequency). This variant has not been reported in the literature in individuals affected with MUTYH-related conditions. This variant disrupts the conserved PCNA binding motif of the MUTYH protein, which has been shown to be critical for MUTYH-PCNA binding and repair efficiency (PMID: 11092888, 26377631, 11433026, 11864576). While functional studies have not been performed to directly test the effect of this variant on MUTYH protein function, this suggests that disruption of this region of the protein is causative of disease. In summary, the currently available evidence indicates that the variant is pathogenic, but additional data are needed to prove that conclusively. Therefore, this variant has been classified as Likely Pathogenic.

Literature cited by the submitters: PubMed 11092888; PubMed 26377631; PubMed 11433026; PubMed 11864576.